The following is an entry in ClinVar:

ClinVar aggregate classification (germline): Uncertain significance. Review status: criteria provided, multiple submitters, no conflicts (2 of 4 stars). 2 submissions from 2 submitters: Uncertain significance (2). Last evaluated 2025-04-23.

Conditions:
Ataxia-telangiectasia syndrome (AT). Also called: Ataxia telangiectasia (A-T); LOUIS-BAR SYNDROME; Cerebello-oculocutaneous telangiectasia; Immunodeficiency with ataxia telangiectasia; Ataxia-telangiectasia, complementation group D; AT, COMPLEMENTATION GROUP C. Identifiers: Orphanet 100, MedGen C0004135, MONDO:0008840, OMIM 208900.
Hereditary cancer-predisposing syndrome. Also called: Hereditary neoplastic syndrome; Neoplastic Syndromes, Hereditary; Tumor predisposition; Hereditary Cancer Syndrome. Identifiers: Orphanet 140162, MedGen C0027672, MeSH D009386, MONDO:0015356.

Submissions (2):

Labcorp Genetics (formerly Invitae), Labcorp
Classification: Uncertain significance for Ataxia-telangiectasia syndrome. Last evaluated: 2025-04-23. Review status: criteria provided, single submitter. Criteria: Invitae Variant Classification Sherloc (09022015). Collection method: clinical testing. Allele origin: germline.
Comment: This sequence change replaces histidine, which is basic and polar, with proline, which is neutral and non-polar, at codon 2480 of the ATM protein (p.His2480Pro). This variant is not present in population databases (gnomAD no frequency). This variant has not been reported in the literature in individuals affected with ATM-related conditions. ClinVar contains an entry for this variant (Variation ID: 1758910). Invitae Evidence Modeling of protein sequence and biophysical properties (such as structural, functional, and spatial information, amino acid conservation, physicochemical variation, residue mobility, and thermodynamic stability) indicates that this missense variant is expected to disrupt ATM protein function with a positive predictive value of 95%. In summary, the available evidence is currently insufficient to determine the role of this variant in disease. Therefore, it has been classified as a Variant of Uncertain Significance.

Ambry Genetics
Classification: Uncertain significance for Hereditary cancer-predisposing syndrome. Last evaluated: 2020-02-06. Review status: criteria provided, single submitter. Criteria: Ambry Variant Classification Scheme 2023. Collection method: clinical testing. Allele origin: germline.
Comment: The p.H2480P variant (also known as c.7439A>C), located in coding exon 49 of the ATM gene, results from an A to C substitution at nucleotide position 7439. The histidine at codon 2480 is replaced by proline, an amino acid with similar properties. This amino acid position is highly conserved in available vertebrate species. In addition, this alteration is predicted to be deleterious by in silico analysis. Since supporting evidence is limited at this time, the clinical significance of this alteration remains unclear.

NM_000051.4(ATM):c.7439A>C (p.His2480Pro)

Genes: ATM (ATM serine/threonine kinase; plus strand), C11orf65 (chromosome 11 open reading frame 65; minus strand). Cytogenetic location: 11q22.3.
Variant type: single nucleotide variant.
Coding change: c.7439A>C on transcript NM_000051.4 (MANE Select); coding-DNA position 7439, A replaced by C.
Protein change: p.His2480Pro; replaces histidine 2480 with proline.
Molecular consequence: missense variant. On other transcripts: intron variant (2).
Genome position (GRCh38, 1-based): chr11:108,330,345, A>C. VCF-style: chr11-108330345-A-C. GRCh37 (hg19) VCF-style: chr11-108201072-A-C.
Other names: c.7439A>C, p.His2480Pro (NM_001351834.2); c.641-21274T>G (NM_001330368.2); c.*38+4875T>G (NM_001351110.2); short protein forms H2480P.
Identifiers: ClinVar variation 1758910 (VCV001758910.4), dbSNP rs2136459881, ClinGen allele CA382560285.